The following is an entry in ClinVar:

ClinVar aggregate classification (germline): Likely benign (1 of 4 stars; one submission).

Conditions:
Colorectal cancer, hereditary nonpolyposis, type 7. Identifiers: Orphanet 144, MedGen C1858380, MONDO:0013725, OMIM 614385.

Submission:

Myriad Genetics, Inc.
Classification: Likely benign for Colorectal cancer, hereditary nonpolyposis, type 7. Last evaluated: 2026-09-11. Review status: criteria provided, single submitter. Criteria: Myriad Autosomal Dominant, Autosomal Recessive and X-Linked Classification Criteria (2023). Collection method: clinical testing. Allele origin: unknown.
Comment: This variant is considered likely benign. This variant is intronic and is not expected to impact mRNA splicing.

NM_001040108.2(MLH3):c.3716-7C>T

Gene: MLH3 (mutL homolog 3; minus strand). Cytogenetic location: 14q24.3.
Variant type: single nucleotide variant.
Coding change: c.3716-7C>T on transcript NM_001040108.2 (MANE Select); 7 bases into the intron before coding-DNA position 3716, C replaced by T.
Molecular consequence: intron variant.
Genome position (GRCh38, 1-based): chr14:75,032,186, G>A on the plus strand (C>T on the coding strand, the complement: MLH3 is on the minus strand). VCF-style: chr14-75032186-G-A. GRCh37 (hg19) VCF-style: chr14-75498889-G-A.
Other names: c.3644-7C>T (NM_014381.3).
Identifiers: ClinVar variation 5042184 (VCV005042184.1).